The following is an entry in ClinVar:

NM_006009.4(TUBA1A):c.562A>C (p.Ile188Leu)

Gene: TUBA1A (tubulin alpha 1a; minus strand). Cytogenetic location: 12q13.12.
Variant type: single nucleotide variant.
Coding change: c.562A>C on transcript NM_006009.4 (MANE Select); coding-DNA position 562, A replaced by C.
Protein change: p.Ile188Leu; replaces isoleucine 188 with leucine.
Molecular consequence: missense variant.
Genome position (GRCh38, 1-based): chr12:49,185,804, T>G on the plus strand (A>C on the coding strand, the complement: TUBA1A is on the minus strand). VCF-style: chr12-49185804-T-G. GRCh37 (hg19) VCF-style: chr12-49579587-T-G.
Other names: c.562A>C, p.Ile188Leu (NM_001270399.2); c.457A>C, p.Ile153Leu (NM_001270400.2); short protein forms I188L, I153L.
Identifiers: ClinVar variation 7072 (VCV000007072.6), dbSNP rs137853045, ClinGen allele CA213156.

ClinVar aggregate classification (germline): Pathogenic. Review status: criteria provided, single submitter (1 of 4 stars). 2 submissions from 2 submitters: Pathogenic (1). 1 of the submissions does not count toward it. Last evaluated 2018-07-01.

Conditions:
Tubulinopathy. Also called: Tubulinopathies. Identifiers: MedGen CN850169, MONDO:0100153.
Lissencephaly due to TUBA1A mutation (CDCBM16). Also called: CORTICAL DYSPLASIA, COMPLEX, WITH OTHER BRAIN MALFORMATIONS 16; Lissencephaly 3. Identifiers: Orphanet 171680, MedGen C4305153, MONDO:0012703, OMIM 611603.

Submissions (2):

Institute of Human Genetics, FAU Erlangen, Friedrich-Alexander-Universität Erlangen-Nürnberg
Classification: Pathogenic for Tubulinopathies. Last evaluated: 2018-07-01. Review status: criteria provided, single submitter. Criteria: ACMG Guidelines, 2015. Collection method: literature only. Allele origin: de novo. Affected: yes. Observed: 1 variant allele.
Comment: The c.562A>C, p.(Ile188Leu) variant has been reported as a variant of de novo origin. This variant and associated phenotype was previously reported by Poirier et al. Hum Mutat, 2007 PMID: 17584854. HPO-standardized clinical features were: Partial agenesis of the corpus callosum, Hypoplasia of the corpus callosum (HP:0001338, HP:0002079); Cerebellar vermis hypoplasia (HP:0001320); Hypoplasia of the brainstem (HP:0002365); no Abnormal morphology of the hippocampus (HP:0025100); Dilation of lateral ventricles (HP:0006956); Gray matter heterotopia (HP:0002281); Congenital microcephaly (HP:0011451); Microcephaly (HP:0000252); Generalized tonic-clonic seizures (HP:0002069)

OMIM
Classification: Pathogenic for CORTICAL DYSPLASIA, COMPLEX, WITH OTHER BRAIN MALFORMATIONS 16. Last evaluated: 2010-09-15. Review status: no assertion criteria provided. Collection method: literature only. Allele origin: germline. Not counted in ClinVar's aggregate classification.

Literature cited by the submitters: PubMed 30744660 (cited by Institute of Human Genetics, FAU Erlangen, Friedrich-Alexander-Universität Erlangen-Nürnberg); DOI 10.1101/427948 (cited by Institute of Human Genetics, FAU Erlangen, Friedrich-Alexander-Universität Erlangen-Nürnberg); PubMed 17584854 (cited by OMIM); PubMed 20603323 (cited by OMIM).